The following is an entry in ClinVar:

ClinVar aggregate classification (germline): Benign/Likely benign. Review status: criteria provided, multiple submitters, no conflicts (2 of 4 stars). 3 submissions from 3 submitters: Benign (1); Likely benign (2). Last evaluated 2025-06-17.

Conditions:
PDZD7-related disorder. Also called: PDZD7-related condition; PDZD7-related disorders.

Allele frequency attached by ClinVar (database versions not stated): TOPMed 0.00001; gnomAD 0.00005; 1000 Genomes Project 30x 0.00016; gnomAD exomes 0.00039; ExAC 0.00132.
gnomAD v4.1: 232 of 1,548,172 alleles (0.015%); highest among the groups gnomAD compares: South Asian, 0.27%; 3 homozygotes.

Submissions (3):

Labcorp Genetics (formerly Invitae), Labcorp
Classification: Benign. Last evaluated: 2025-06-17. Review status: criteria provided, single submitter. Criteria: Invitae Variant Classification Sherloc (09022015). Collection method: clinical testing. Allele origin: germline.

PreventionGenetics, part of Exact Sciences
Classification: Likely benign for PDZD7-related condition. Last evaluated: 2024-11-18. Review status: criteria provided, single submitter. Criteria: ACMG Guidelines, 2015. Collection method: clinical testing. Allele origin: germline.
Comment: This variant is classified as likely benign based on ACMG/AMP sequence variant interpretation guidelines (Richards et al. 2015 PMID: 25741868, with internal and published modifications).

Blueprint Genetics
Classification: Likely benign. Last evaluated: 2024-08-12. Review status: criteria provided, single submitter. Criteria: ACMG Guidelines, 2015. Collection method: clinical testing. Allele origin: germline.

NM_001195263.2(PDZD7):c.1579G>A (p.Glu527Lys)

Gene: PDZD7 (PDZ domain containing 7; minus strand). Cytogenetic location: 10q24.31.
Variant type: single nucleotide variant.
Coding change: c.1579G>A on transcript NM_001195263.2 (MANE Select); coding-DNA position 1579, G replaced by A.
Protein change: p.Glu527Lys; replaces glutamic acid 527 with lysine.
Molecular consequence: missense variant.
Genome position (GRCh38, 1-based): chr10:101,015,806, C>T on the plus strand (G>A on the coding strand, the complement: PDZD7 is on the minus strand). VCF-style: chr10-101015806-C-T. GRCh37 (hg19) VCF-style: chr10-102775563-C-T.
Other names: c.1579G>A (NM_001195263.1); short protein forms E527K.
Identifiers: ClinVar variation 1169642 (VCV001169642.11), dbSNP rs773904973, ClinGen allele CA5654051.
Genomic context (GRCh38, chr10:101,015,806, plus strand): 5'-CATTAGGCAGCTGGCTGGAGGGACTCCCAGACCTGGCAGACAGCAGGGCCCGGCCCCTCT[C>T]CTGGTCTGCAGGGCAGGAACCATCAGGGGAGGGGAGAGGGGCTTCCCTCAGCAGGGCTGG-3'
Protein context (NP_001182192.1, residues 517-537): FVTWRLRRDQ[Glu527Lys]RGRALLSARS